The following is an entry in ClinVar:

NM_000264.5(PTCH1):c.3078C>G (p.His1026Gln)

Gene: PTCH1 (patched 1; minus strand). Cytogenetic location: 9q22.32.
Variant type: single nucleotide variant.
Coding change: c.3078C>G on transcript NM_000264.5 (MANE Select); coding-DNA position 3078, C replaced by G.
Protein change: p.His1026Gln; replaces histidine 1026 with glutamine.
Molecular consequence: missense variant. On other transcripts: non-coding transcript variant (1).
Genome position (GRCh38, 1-based): chr9:95,458,103, G>C on the plus strand (C>G on the coding strand, the complement: PTCH1 is on the minus strand). VCF-style: chr9-95458103-G-C. GRCh37 (hg19) VCF-style: chr9-98220385-G-C.
Other names: c.2880C>G, p.His960Gln (NM_001083602.3); c.3075C>G, p.His1025Gln (NM_001083603.3); c.2625C>G, p.His875Gln (NM_001083604.3, NM_001083605.3, NM_001083606.3 and 1 more transcripts); c.2922C>G, p.His974Gln (NM_001354918.2); short protein forms H1025Q, H1026Q, H875Q, H960Q, H974Q.
Identifiers: ClinVar variation 5020491 (VCV005020491.1).
Genomic context (GRCh38, chr9:95,458,103, plus strand): 5'-GAAGACAGCGCACACGAGGAATGTGCAGGCCAACACCACGCTGATGAACAGCAGCAGCCA[G>C]TGGCGGAGGCCGATGTACTGCTCCCAGAAGAGGAAGGGGTAGCCGTTGGGGTAACTGGAC-3'
Protein context (NP_000255.2, residues 1016-1036): LFWEQYIGLR[His1026Gln]WLLLFISVVL

ClinVar aggregate classification (germline): Uncertain significance (1 of 4 stars; one submission).

Submission:

Dasa
Classification: Uncertain significance. Last evaluated: 2026-05-25. Review status: criteria provided, single submitter. Criteria: DASA Assertion Criteria. Collection method: clinical testing. Allele origin: germline.
Comment: NM_000264.5(PTCH1):c.3078C>G (p.His1026Gln) is a missense variant that results in the substitution of histidine with glutamine. This variant is rare in population databases. The currently available literature and clinical evidence are not sufficient to establish a definitive association between this variant and the reported condition. Therefore, this variant is classified as a variant of uncertain significance.